The following is an entry in ClinVar:

NM_000152.5(GAA):c.352C>A (p.Gln118Lys)

Gene: GAA (alpha glucosidase; plus strand). Cytogenetic location: 17q25.3.
Variant type: single nucleotide variant.
Coding change: c.352C>A on transcript NM_000152.5 (MANE Select); coding-DNA position 352, C replaced by A.
Protein change: p.Gln118Lys; replaces glutamine 118 with lysine.
Molecular consequence: missense variant.
Genome position (GRCh38, 1-based): chr17:80,104,938, C>A. VCF-style: chr17-80104938-C-A. GRCh37 (hg19) VCF-style: chr17-78078737-C-A.
Other names: c.352C>A, p.Gln118Lys (NM_001079803.3, NM_001079804.3, NM_001406741.1 and 1 more transcripts); short protein forms Q118K.
Identifiers: ClinVar variation 4876644 (VCV004876644.1).
Genomic context (GRCh38, chr17:80,104,938, plus strand): 5'-ATCACCCAGGAACAGTGCGAGGCCCGCGGCTGTTGCTACATCCCTGCAAAGCAGGGGCTG[C>A]AGGGAGCCCAGATGGGGCAGCCCTGGTGCTTCTTCCCACCCAGCTACCCCAGCTACAAGC-3'
Protein context (NP_000143.2, residues 108-128): CCYIPAKQGL[Gln118Lys]GAQMGQPWCF

ClinVar aggregate classification (germline): Uncertain significance (1 of 4 stars; one submission).

Conditions:
Glycogen storage disease, type II (IOPD). Also called: Pompe Disease; CARDIOMEGALIA GLYCOGENICA DIFFUSA; GLYCOGENOSIS, GENERALIZED, CARDIAC FORM; GSD II; POMPE DISEASE, INFANTILE-ONSET; GLYCOGEN STORAGE DISEASE II, INFANTILE-ONSET. Identifiers: Orphanet 365, MedGen C0017921, MONDO:0009290, OMIM 232300.

Submission:

Genomenon, Inc
Classification: Uncertain significance for Glycogen storage disease, type II. Last evaluated: 2026-07-01. Review status: criteria provided, single submitter. Criteria: Genomenon Sequence Variant Interpretation Standards - Updated. Collection method: curation. Allele origin: germline. Affected: no.
Comment: GAA p.Gln118Lys (c.352C>A) is a missense variant that changes the amino acid at codon 118 from Glutamine to Lysine. This variant has been reported in the published literature (PMID:33297573). It is absent or not present at a significant frequency in gnomAD. In silico models predict that this variant is not damaging. In conclusion, we classify GAA p.Gln118Lys (c.352C>A) as a variant of uncertain significance.

Literature cited by the submitters: PubMed 33297573.